The following is an entry in ClinVar:

NM_014915.3(ANKRD26):c.1681T>C (p.Ser561Pro)

Gene: ANKRD26 (ankyrin repeat domain containing 26; minus strand). Cytogenetic location: 10p12.1.
Variant type: single nucleotide variant.
Coding change: c.1681T>C on transcript NM_014915.3 (MANE Select); coding-DNA position 1681, T replaced by C.
Protein change: p.Ser561Pro; replaces serine 561 with proline.
Molecular consequence: missense variant.
Genome position (GRCh38, 1-based): chr10:27,048,934, A>G on the plus strand (T>C on the coding strand, the complement: ANKRD26 is on the minus strand). VCF-style: chr10-27048934-A-G. GRCh37 (hg19) VCF-style: chr10-27337863-A-G.
Other names: c.1681T>C, p.Ser561Pro (NM_001256053.2); short protein forms S561P.
Identifiers: ClinVar variation 3912854 (VCV003912854.1).

ClinVar aggregate classification (germline): Uncertain significance (1 of 4 stars; one submission).

Conditions:
Inborn genetic diseases. Identifiers: MedGen C0950123, MeSH D030342.

gnomAD v4.1: 2 of 1,610,620 alleles (0.00012%); highest among the groups gnomAD compares: Non-Finnish European, 0.00017%; no homozygotes.

Submission:

Ambry Genetics
Classification: Uncertain significance for Inborn genetic diseases. Last evaluated: 2025-03-15. Review status: criteria provided, single submitter. Criteria: Ambry Variant Classification Scheme 2023. Collection method: clinical testing. Allele origin: germline.
Comment: The p.S561P variant (also known as c.1681T>C), located in coding exon 17 of the ANKRD26 gene, results from a T to C substitution at nucleotide position 1681. The serine at codon 561 is replaced by proline, an amino acid with similar properties. This amino acid position is conserved. In addition, this alteration is predicted to be tolerated by in silico analysis. Based on the available evidence, the clinical significance of this variant remains unclear.